The following is an entry in ClinVar:

ClinVar aggregate classification (germline): Uncertain significance (1 of 4 stars; one submission).

Conditions:
Familial thoracic aortic aneurysm and aortic dissection (TAAD). Also called: Thoracic aortic aneurysms and dissections. Identifiers: Orphanet 91387, MedGen C4707243, MONDO:0019625.

gnomAD v4.1: 5 of 1,611,502 alleles (0.00031%); highest among the groups gnomAD compares: South Asian, 0.0011%; no homozygotes.

Submission:

Labcorp Genetics (formerly Invitae), Labcorp
Classification: Uncertain significance for Familial thoracic aortic aneurysm and aortic dissection. Last evaluated: 2025-10-01. Review status: criteria provided, single submitter. Criteria: Invitae Variant Classification Sherloc (09022015). Collection method: clinical testing. Allele origin: germline.
Comment: This sequence change replaces isoleucine, which is neutral and non-polar, with phenylalanine, which is neutral and non-polar, at codon 342 of the TGFBR2 protein (p.Ile342Phe). This variant is present in population databases (rs750658746, gnomAD 0.003%). This variant has not been reported in the literature in individuals affected with TGFBR2-related conditions. Invitae Evidence Modeling of protein sequence and biophysical properties (such as structural, functional, and spatial information, amino acid conservation, physicochemical variation, residue mobility, and thermodynamic stability) has been performed for this missense variant. However, the output from this modeling did not meet the statistical confidence thresholds required to predict the impact of this variant on TGFBR2 protein function. In summary, the available evidence is currently insufficient to determine the role of this variant in disease. Therefore, it has been classified as a Variant of Uncertain Significance.

NM_003242.6(TGFBR2):c.1024A>T (p.Ile342Phe)

Gene: TGFBR2 (transforming growth factor beta receptor 2; plus strand). Cytogenetic location: 3p24.1.
Variant type: single nucleotide variant.
Coding change: c.1024A>T on transcript NM_003242.6 (MANE Select); coding-DNA position 1024, A replaced by T.
Protein change: p.Ile342Phe; replaces isoleucine 342 with phenylalanine.
Molecular consequence: missense variant. On other transcripts: intron variant (1).
Genome position (GRCh38, 1-based): chr3:30,672,207, A>T. VCF-style: chr3-30672207-A-T. GRCh37 (hg19) VCF-style: chr3-30713699-A-T.
Other names: c.1099A>T, p.Ile367Phe (NM_001024847.3); c.1207A>T, p.Ile403Phe (NM_001407126.1); c.1132A>T, p.Ile378Phe (NM_001407127.1); c.1051A>T, p.Ile351Phe (NM_001407128.1); c.1027A>T, p.Ile343Phe (NM_001407129.1); c.1024A>T, p.Ile342Phe (NM_001407130.1); c.919A>T, p.Ile307Phe (NM_001407132.1, NM_001407133.1, NM_001407134.1 and 2 more transcripts); c.739A>T, p.Ile247Phe (NM_001407137.1); and 2 more; short protein forms I222F, I247F, I307F, I342F, I343F, I351F, I367F, I378F.
Identifiers: ClinVar variation 4807038 (VCV004807038.1).
Genomic context (GRCh38, chr3:30,672,207, plus strand): 5'-TGGCTGATCACCGCCTTCCACGCCAAGGGCAACCTACAGGAGTACCTGACGCGGCATGTC[A>T]TCAGCTGGGAGGACCTGCGCAAGCTGGGCAGCTCCCTCGCCCGGGGGATTGCTCACCTCC-3'
Protein context (NP_003233.4, residues 332-352): NLQEYLTRHV[Ile342Phe]SWEDLRKLGS